The following is an entry in ClinVar:

ClinVar aggregate classification (germline): Uncertain significance (0 of 4 stars; one submission).

Conditions:
Endometrial carcinoma. Also called: Endometrial carcinoma, somatic. Identifiers: MedGen C0476089, MONDO:0002447, OMIM 608089, HP:0012114.

Submission:

Department of Pathology and Laboratory Medicine, Sinai Health System
Classification: Uncertain significance for Endometrial carcinoma. Review status: no assertion criteria provided. Collection method: clinical testing. Allele origin: unknown. Affected: yes. Study: The Canadian Open Genetics Repository (COGR).
Comment: PMS2, INTRON 03, c.251-11C>G, p.?, (Alias:IVS3-11C>G ), Variant of Unknown Significance (ACMG 3)rnThe PMS2 c.251-11C>G variant was not identified in the literature nor was it identified in the 1000 Genomes Project, HGMD, COSMIC, MutDB, â€šÃ„ÃºMismatch Repair Genes Variant Databaseâ€šÃ„Ã¹, â€šÃ„ÃºMMR Gene Unclassified Variants Databaseâ€šÃ„Ã¹, â€šÃ„ÃºInSiGHT Colon Cancer Databaseâ€šÃ„Ã¹, â€šÃ„ÃºZhejiang Colon Cancer Databaseâ€šÃ„Ã¹, and ClinVar database. The c.2117_2118delA variant occurs outside of the splicing consensus sequence and in silico or computational prediction software (SpliceSiteFinder, MaxEntScan, NNSPLICE, GeneSplicer, HumanSpliceFinder) does not predict a difference in splicing in 5 of 5 different programs. (However, this information is not predictive enough to rule out pathogenicity.) In summary, based on the above information, the clinical significance of this variant cannot be determined with certainty at this time. This variant is classified as a variant of unknown significance.

NM_000535.7(PMS2):c.251-11C>G

Gene: PMS2 (PMS1 homolog 2, mismatch repair system component; minus strand). Cytogenetic location: 7p22.1.
Variant type: single nucleotide variant.
Coding change: c.251-11C>G on transcript NM_000535.7 (MANE Select); 11 bases into the intron before coding-DNA position 251, C replaced by G.
Molecular consequence: intron variant.
Genome position (GRCh38, 1-based): chr7:6,003,803, G>C on the plus strand (C>G on the coding strand, the complement: PMS2 is on the minus strand). VCF-style: chr7-6003803-G-C. GRCh37 (hg19) VCF-style: chr7-6043434-G-C.
Other names: c.35+169C>G (NM_001322008.2, NM_001322007.2); c.-155-11C>G (NM_001322010.2, NM_001322004.2, NM_001322013.2 and 3 more transcripts); c.-634-11C>G (NM_001322012.2, NM_001322011.2); c.-234-11C>G (NM_001322015.2); c.251-11C>G (NM_001322006.2, NM_001322014.2).
Identifiers: ClinVar variation 434025 (VCV000434025.2), dbSNP rs761795058, ClinGen allele CA048549.
Genomic context (GRCh38, chr7:6,003,803, plus strand): 5'-CTGAGTTAGGTCGGCAAACTCTTGAATCTTAGATGTGTGATGTTTCAGAGCTGAAAGAGA[G>C]TGTAAAGTAAGGACTAAGATATCTCAAGTGCTATAACAACAAAATATACATGATATCTAG-3'